The following is an entry in ClinVar:

NM_001999.4(FBN2):c.7824C>T (p.Thr2608=)

Gene: FBN2 (fibrillin 2; minus strand). Cytogenetic location: 5q23.3.
Variant type: single nucleotide variant.
Coding change: c.7824C>T on transcript NM_001999.4 (MANE Select); coding-DNA position 7824, C replaced by T.
Protein change: p.Thr2608=; no amino-acid change (threonine 2608 retained).
Molecular consequence: synonymous variant.
Genome position (GRCh38, 1-based): chr5:128,273,856, G>A on the plus strand (C>T on the coding strand, the complement: FBN2 is on the minus strand). VCF-style: chr5-128273856-G-A. GRCh37 (hg19) VCF-style: chr5-127609548-G-A.
Other names: p.Thr2608=.
Identifiers: ClinVar variation 264176 (VCV000264176.25), dbSNP rs28763922, ClinGen allele CA3394010.

ClinVar aggregate classification (germline): Benign/Likely benign. Review status: criteria provided, multiple submitters, no conflicts (2 of 4 stars). 9 submissions from 8 submitters: Benign (6); Likely benign (3). Last evaluated 2026-02-01.

Conditions:
Connective tissue disorder. Also called: Connective tissue disease. Identifiers: MedGen C0009782, MONDO:0003900.
Ehlers-Danlos syndrome (EDS). Identifiers: Orphanet 98249, MedGen C0013720, MONDO:0020066.
Congenital contractural arachnodactyly (CCA). Also called: BEALS SYNDROME; Arthrogryposis, distal, type 9; Beals-Hecht syndrome. Identifiers: Orphanet 115, MedGen C0220668, MONDO:0007363, OMIM 121050.
Familial thoracic aortic aneurysm and aortic dissection (TAAD). Also called: Thoracic aortic aneurysms and dissections. Identifiers: Orphanet 91387, MedGen C4707243, MONDO:0019625.

Allele frequency attached by ClinVar (database versions not stated): gnomAD 0.00328 and 0.00339; TOPMed 0.00366; 1000 Genomes Project 0.00459; 1000 Genomes Project 30x 0.00500; ESP Exome Variant Server 0.00507.
gnomAD v4.1: 1,037 of 1,613,684 alleles (0.064%); highest among the groups gnomAD compares: African/African-American, 1.2%; 4 homozygotes.

Submissions (9):

Labcorp Genetics (formerly Invitae), Labcorp
Classification: Benign for Congenital contractural arachnodactyly. Last evaluated: 2026-02-01. Review status: criteria provided, single submitter. Criteria: Invitae Variant Classification Sherloc (09022015). Collection method: clinical testing. Allele origin: germline.

Blueprint Genetics
Classification: Likely benign. Last evaluated: 2024-11-12. Review status: criteria provided, single submitter. Criteria: ACMG Guidelines, 2015. Collection method: clinical testing. Allele origin: germline.

Women's Health and Genetics/Laboratory Corporation of America, LabCorp
Classification: Benign. Last evaluated: 2023-08-10. Review status: criteria provided, single submitter. Criteria: LabCorp Variant Classification Summary - May 2015. Collection method: clinical testing. Allele origin: germline.

Genome Diagnostics Laboratory, The Hospital for Sick Children
Classification: Likely benign for Connective tissue disorder. Last evaluated: 2022-04-22. Review status: criteria provided, single submitter. Criteria: ACMG Guidelines, 2015. Collection method: clinical testing. Allele origin: germline.

Genome Diagnostics Laboratory, The Hospital for Sick Children
Classification: Likely benign for Ehlers-Danlos syndrome. Last evaluated: 2020-02-01. Review status: criteria provided, single submitter. Criteria: ACMG Guidelines, 2015. Collection method: clinical testing. Allele origin: germline.

Illumina Laboratory Services, Illumina
Classification: Benign for Congenital contractural arachnodactyly. Last evaluated: 2018-01-12. Review status: criteria provided, single submitter. Criteria: ICSL Variant Classification Criteria 13 December 2019. Collection method: clinical testing. Allele origin: germline.
Comment: This variant was observed in the ICSL laboratory as part of a predisposition screen in an ostensibly healthy population. It had not been previously curated by ICSL or reported in the Human Gene Mutation Database (HGMD: prior to June 1st, 2018), and was therefore a candidate for classification through an automated scoring system. Utilizing variant allele frequency, disease prevalence and penetrance estimates, and inheritance mode, an automated score was calculated to assess if this variant is too frequent to cause the disease. Based on the score and internal cut-off values, a variant classified as benign is not then subjected to further curation. The score for this variant resulted in a classification of benign for this disease.

GeneDx
Classification: Benign. Last evaluated: 2016-05-24. Review status: criteria provided, single submitter. Criteria: GeneDx Variant Classification (06012015). Collection method: clinical testing. Allele origin: germline. Affected: yes.
Comment: This variant is considered likely benign or benign based on one or more of the following criteria: it is a conservative change, it occurs at a poorly conserved position in the protein, it is predicted to be benign by multiple in silico algorithms, and/or has population frequency not consistent with disease.

Mayo Clinic Laboratories, Mayo Clinic
Classification: Benign. Last evaluated: 2016-02-17. Review status: criteria provided, single submitter. Criteria: ACMG Guidelines, 2015. Collection method: clinical testing. Allele origin: germline. Observed: 4 variant alleles.

Ambry Genetics
Classification: Benign for Familial thoracic aortic aneurysm and aortic dissection. Last evaluated: 2015-09-22. Review status: criteria provided, single submitter. Criteria: Ambry Variant Classification Scheme 2023. Collection method: clinical testing. Allele origin: germline.